The following is an entry in ClinVar:

NM_152753.4(SCUBE3):c.1939G>A (p.Gly647Ser)

Genes: SCUBE3 (signal peptide, CUB domain and EGF like domain containing 3; plus strand), LOC126859661 (CDK7 strongly-dependent group 2 enhancer GRCh37_chr6:35211069-35212268; plus strand). Cytogenetic location: 6p21.31.
Variant type: single nucleotide variant.
Coding change: c.1939G>A on transcript NM_152753.4 (MANE Select); coding-DNA position 1939, G replaced by A.
Protein change: p.Gly647Ser; replaces glycine 647 with serine.
Molecular consequence: missense variant.
Genome position (GRCh38, 1-based): chr6:35,243,623, G>A. VCF-style: chr6-35243623-G-A. GRCh37 (hg19) VCF-style: chr6-35211400-G-A.
Other names: c.1936G>A, p.Gly646Ser (NM_001303136.2); short protein forms G646S, G647S.
Identifiers: ClinVar variation 3316743 (VCV003316743.3).

ClinVar aggregate classification (germline): Uncertain significance. Review status: criteria provided, multiple submitters, no conflicts (2 of 4 stars). 2 submissions from 2 submitters: Uncertain significance (2). Last evaluated 2024-03-20.

Conditions:
Short stature, facial dysmorphism, and skeletal anomalies with or without cardiac anomalies 2. Identifiers: MedGen C5543057, MONDO:0030953, OMIM 619184.
Inborn genetic diseases. Identifiers: MedGen C0950123, MeSH D030342.

gnomAD v4.1: 14 of 1,613,756 alleles (0.00087%); highest among the groups gnomAD compares: East Asian, 0.011%; no homozygotes.

Submissions (2):

Ambry Genetics
Classification: Uncertain significance for Inborn genetic diseases. Last evaluated: 2024-03-20. Review status: criteria provided, single submitter. Criteria: Ambry Variant Classification Scheme 2023. Collection method: clinical testing. Allele origin: germline.

Juno Genomics, Hangzhou Juno Genomics, Inc
Classification: Uncertain significance for Short stature, facial dysmorphism, and skeletal anomalies with or without cardiac anomalies 2. Review status: criteria provided, single submitter. Criteria: ACMG Guidelines, 2015. Collection method: clinical testing. Allele origin: germline.
Comment: Missense variant in a gene that has a low rate of benign missense variation.;Multiple lines of computational evidence support a deleterious effect on the gene or gene product.;Absent from controls (or at extremely low frequency if recessive) in Genome Aggregation Database.